The following is an entry in ClinVar:

ClinVar aggregate classification (germline): Conflicting classifications of pathogenicity. Review status: criteria provided, conflicting classifications (1 of 4 stars). 2 submissions from 2 submitters: Uncertain significance (1); Likely benign (1). Last evaluated 2025-07-14.

Conditions:
Hereditary cancer. Identifiers: MedGen C1333600.

Allele frequency attached by ClinVar (database versions not stated): gnomAD exomes below 0.00001.
gnomAD v4.1: 5 of 1,613,944 alleles (0.00031%); highest among the groups gnomAD compares: Admixed American, 0.005%; no homozygotes.

Submissions (2):

Dasa
Classification: Uncertain significance. Last evaluated: 2025-07-14. Review status: criteria provided, single submitter. Criteria: DASA Assertion Criteria. Collection method: clinical testing. Allele origin: germline.
Comment: NM_001018115.3(FANCD2):c.3278T>A (p.Val1093Asp) is a missense variant that results in the substitution of valine with aspartic acid. This variant is rare in population databases. Computational prediction algorithms are consistent with a benign effect. The currently available literature and clinical evidence are not sufficient to establish a definitive association between this variant and the reported condition. Therefore, this variant is classified as a variant of uncertain significance.

Mendelics
Classification: Likely benign for Hereditary cancer. Last evaluated: 2024-01-23. Review status: criteria provided, single submitter. Criteria: ACMG Guidelines, 2015. Collection method: clinical testing. Allele origin: unknown.

NM_001018115.3(FANCD2):c.3278T>A (p.Val1093Asp)

Genes: FANCD2 (FA complementation group D2; plus strand), FANCD2OS (FANCD2 opposite strand; minus strand). Cytogenetic location: 3p25.3.
Variant type: single nucleotide variant.
Coding change: c.3278T>A on transcript NM_001018115.3 (MANE Select); coding-DNA position 3278, T replaced by A.
Protein change: p.Val1093Asp; replaces valine 1093 with aspartic acid.
Molecular consequence: missense variant. On other transcripts: intron variant (1).
Genome position (GRCh38, 1-based): chr3:10,085,865, T>A. VCF-style: chr3-10085865-T-A. GRCh37 (hg19) VCF-style: chr3-10127549-T-A.
Other names: c.3278T>A, p.Val1093Asp (NM_001319984.2, NM_001374254.1, NM_033084.6); c.3167T>A, p.Val1056Asp (NM_001374253.1); c.*44-4334A>T (NM_173472.2); short protein forms V1056D, V1093D.
Identifiers: ClinVar variation 2687863 (VCV002687863.3), dbSNP rs1000254003, ClinGen allele CA70028607.